The following is an entry in ClinVar:

ClinVar aggregate classification (germline): Uncertain significance. Review status: criteria provided, multiple submitters, no conflicts (2 of 4 stars). 2 submissions from 2 submitters: Uncertain significance (2). Last evaluated 2024-03-26.

Conditions:
Peroxisome biogenesis disorder 2B (PBD2B). Identifiers: Orphanet 44, MedGen C3550234, MONDO:0008736, OMIM 202370.

Allele frequency attached by ClinVar (database versions not stated): TOPMed below 0.00001; gnomAD 0.00003.
gnomAD v4.1: 4 of 1,613,446 alleles (0.00025%); highest among the groups gnomAD compares: African/African-American, 0.0053%; no homozygotes.

Submissions (2):

Labcorp Genetics (formerly Invitae), Labcorp
Classification: Uncertain significance for Peroxisome biogenesis disorder 2B. Last evaluated: 2024-03-26. Review status: criteria provided, single submitter. Criteria: Invitae Variant Classification Sherloc (09022015). Collection method: clinical testing. Allele origin: germline.
Comment: This sequence change replaces alanine, which is neutral and non-polar, with serine, which is neutral and polar, at codon 388 of the PEX5 protein (p.Ala388Ser). This variant is not present in population databases (gnomAD no frequency). This variant has not been reported in the literature in individuals affected with PEX5-related conditions. ClinVar contains an entry for this variant (Variation ID: 594985). Advanced modeling of protein sequence and biophysical properties (such as structural, functional, and spatial information, amino acid conservation, physicochemical variation, residue mobility, and thermodynamic stability) performed at Invitae indicates that this missense variant is expected to disrupt PEX5 protein function with a positive predictive value of 80%. In summary, the available evidence is currently insufficient to determine the role of this variant in disease. Therefore, it has been classified as a Variant of Uncertain Significance.

Eurofins Ntd Llc (ga)
Classification: Uncertain significance. Last evaluated: 2017-11-10. Review status: criteria provided, single submitter. Criteria: EGL Classification Definitions 2015. Collection method: clinical testing. Allele origin: germline. Observed: 1 variant allele, 1 heterozygote.

NM_001351132.2(PEX5):c.1162G>T (p.Ala388Ser)

Gene: PEX5 (peroxisomal biogenesis factor 5; plus strand). Cytogenetic location: 12p13.31.
Variant type: single nucleotide variant.
Coding change: c.1162G>T on transcript NM_001351132.2 (MANE Select); coding-DNA position 1162, G replaced by T.
Protein change: p.Ala388Ser; replaces alanine 388 with serine.
Molecular consequence: missense variant.
Genome position (GRCh38, 1-based): chr12:7,208,061, G>T. VCF-style: chr12-7208061-G-T. GRCh37 (hg19) VCF-style: chr12-7360657-G-T.
Other names: c.1138G>T, p.Ala380Ser (NM_000319.5); c.1207G>T, p.Ala403Ser (NM_001131023.2); c.1051G>T, p.Ala351Ser (NM_001131024.2, NM_001351124.3, NM_001351126.2 and 7 more transcripts); c.1162G>T, p.Ala388Ser (NM_001131025.2, NM_001131026.2, NM_001300789.3 and 4 more transcripts); c.1096G>T, p.Ala366Ser (NM_001351135.3, NM_001351138.2); c.1153G>T, p.Ala385Ser (NM_001351136.2); c.1027G>T, p.Ala343Ser (NM_001351139.2, NM_001351140.2, NM_001374649.2); short protein forms A388S, A380S, A343S, A351S, A366S, A385S, A403S.
Identifiers: ClinVar variation 594985 (VCV000594985.7), dbSNP rs1010839794, ClinGen allele CA232475390.